The following is an entry in ClinVar:

NM_017654.4(SAMD9):c.2534C>T (p.Ala845Val)

Gene: SAMD9 (sterile alpha motif domain containing 9; minus strand). Cytogenetic location: 7q21.2.
Variant type: single nucleotide variant.
Coding change: c.2534C>T on transcript NM_017654.4 (MANE Select); coding-DNA position 2534, C replaced by T.
Protein change: p.Ala845Val; replaces alanine 845 with valine.
Molecular consequence: missense variant.
Genome position (GRCh38, 1-based): chr7:93,103,564, G>A on the plus strand (C>T on the coding strand, the complement: SAMD9 is on the minus strand). VCF-style: chr7-93103564-G-A. GRCh37 (hg19) VCF-style: chr7-92732877-G-A.
Other names: c.2534C>T (NM_017654.3); c.2534C>T, p.Ala845Val (NM_001193307.2); short protein forms A845V.
Identifiers: ClinVar variation 1359704 (VCV001359704.8), dbSNP rs764243484, ClinGen allele CA4342823.

ClinVar aggregate classification (germline): Uncertain significance. Review status: criteria provided, multiple submitters, no conflicts (2 of 4 stars). 3 submissions from 3 submitters: Uncertain significance (3). Last evaluated 2025-05-27.

Conditions:
Inborn genetic diseases. Identifiers: MedGen C0950123, MeSH D030342.

Allele frequency attached by ClinVar (database versions not stated): ExAC 0.00001; gnomAD 0.00001; TOPMed 0.00002; gnomAD exomes 0.00003.
gnomAD v4.1: 23 of 1,613,120 alleles (0.0014%); highest among the groups gnomAD compares: Non-Finnish European, 0.0019%; no homozygotes.

Submissions (3):

Labcorp Genetics (formerly Invitae), Labcorp
Classification: Uncertain significance. Last evaluated: 2025-05-27. Review status: criteria provided, single submitter. Criteria: Invitae Variant Classification Sherloc (09022015). Collection method: clinical testing. Allele origin: germline.
Comment: This sequence change replaces alanine, which is neutral and non-polar, with valine, which is neutral and non-polar, at codon 845 of the SAMD9 protein (p.Ala845Val). This variant is not present in population databases (gnomAD no frequency). This variant has not been reported in the literature in individuals affected with SAMD9-related conditions. ClinVar contains an entry for this variant (Variation ID: 1359704). Invitae Evidence Modeling of protein sequence and biophysical properties (such as structural, functional, and spatial information, amino acid conservation, physicochemical variation, residue mobility, and thermodynamic stability) indicates that this missense variant is not expected to disrupt SAMD9 protein function with a negative predictive value of 95%. In summary, the available evidence is currently insufficient to determine the role of this variant in disease. Therefore, it has been classified as a Variant of Uncertain Significance.

Ambry Genetics
Classification: Uncertain significance for Inborn genetic diseases. Last evaluated: 2025-02-26. Review status: criteria provided, single submitter. Criteria: Ambry Variant Classification Scheme 2023. Collection method: clinical testing. Allele origin: germline.
Comment: The p.A845V variant (also known as c.2534C>T), located in coding exon 1 of the SAMD9 gene, results from a C to T substitution at nucleotide position 2534. The alanine at codon 845 is replaced by valine, an amino acid with similar properties. This amino acid position is conserved. In addition, this alteration is predicted to be tolerated by in silico analysis. Based on the available evidence, the clinical significance of this variant remains unclear.

GeneDx
Classification: Uncertain significance. Last evaluated: 2023-10-16. Review status: criteria provided, single submitter. Criteria: GeneDx Variant Classification Process June 2021. Collection method: clinical testing. Allele origin: germline. Affected: yes.
Comment: Not observed at significant frequency in large population cohorts (gnomAD); In silico analysis supports that this missense variant does not alter protein structure/function; Has not been previously published as pathogenic or benign to our knowledge; This variant is associated with the following publications: (PMID: 28545555)